The following is an entry in ClinVar:

NM_000256.3(MYBPC3):c.2807C>T (p.Thr936Met)

Gene: MYBPC3 (myosin binding protein C3; minus strand). Cytogenetic location: 11p11.2.
Variant type: single nucleotide variant.
Coding change: c.2807C>T on transcript NM_000256.3 (MANE Select); coding-DNA position 2807, C replaced by T.
Protein change: p.Thr936Met; replaces threonine 936 with methionine.
Molecular consequence: missense variant.
Genome position (GRCh38, 1-based): chr11:47,335,140, G>A on the plus strand (C>T on the coding strand, the complement: MYBPC3 is on the minus strand). VCF-style: chr11-47335140-G-A. GRCh37 (hg19) VCF-style: chr11-47356691-G-A.
Other names: p.T936M:ACG>ATG; c.2807C>T, p.Thr936Met (LRG_386t1); short protein forms T936M.
Identifiers: ClinVar variation 181130 (VCV000181130.22), dbSNP rs374946555, ClinGen allele CA012985.
Genomic context (GRCh38, chr11:47,335,140, plus strand): 5'-ACAGGGGCTCCAGGCCCTGCCATATTGTGTGCCCGCACTCGGAAAAGCAGCCGGGCCCCC[G>A]TGGGCAGGTCCTTCACCAGTATCGATGTGTGCTCTGTCAGCCCCTGCAGGGCAGCCACCC-3'
Protein context (NP_000247.2, residues 926-946): HTSILVKDLP[Thr936Met]GARLLFRVRA

ClinVar aggregate classification (germline): Uncertain significance. Review status: criteria provided, multiple submitters, no conflicts (2 of 4 stars). 7 submissions from 7 submitters: Uncertain significance (7). Last evaluated 2025-11-21.

Conditions:
Cardiovascular phenotype. Identifiers: MedGen CN230736.
Hypertrophic cardiomyopathy 4. Also called: Familial hypertrophic cardiomyopathy 4. Identifiers: MedGen C1861862, MONDO:0007268, OMIM 115197.
Left ventricular noncompaction 10 (LVNC10). Identifiers: Orphanet 154, Orphanet 54260, MedGen C3715165, MONDO:0014163, OMIM 615396.
Cardiomyopathy (CMYO). Also called: Cardiomyopathies. Identifiers: Orphanet 167848, MedGen C0878544, MONDO:0004994, HP:0001638. Inheritance: Various modes of inheritance.
Hypertrophic cardiomyopathy. Also called: HYPERTROPHIC MYOCARDIOPATHY. Identifiers: Orphanet 217569, MedGen C0007194, MeSH D002312, MONDO:0005045, HP:0001639.

Allele frequency attached by ClinVar (database versions not stated): TOPMed 0.00003; gnomAD exomes 0.00004; ExAC 0.00006.
gnomAD v4.1: 41 of 1,612,640 alleles (0.0025%); highest among the groups gnomAD compares: Admixed American, 0.025%; no homozygotes.

Submissions (7):

Color Diagnostics, LLC DBA Color Health
Classification: Uncertain significance for Cardiomyopathy. Last evaluated: 2025-11-21. Review status: criteria provided, single submitter. Criteria: ACMG Guidelines, 2015. Collection method: clinical testing. Allele origin: germline.
Comment: This missense variant replaces threonine with methionine at codon 936 of the MYBPC3 protein. Computational prediction is inconclusive regarding the impact of this variant on protein structure and function. To our knowledge, functional studies have not been reported for this variant. This variant has been reported in an individual affected with hypertrophic cardiomyopathy (PMID: 30847666), in an individual affected with left ventricular hypertrabeculation (PMID: 28798025), in an individual affected with sudden unexplained death (PMID: 35934244), in an individual affected with neurally mediated syncope (PMID: 36005429), and in an individual affected with heart disease (PMID: 22958901). This variant has been identified in 41/1612640 chromosomes in the general population by the Genome Aggregation Database (gnomAD). The available evidence is insufficient to determine the role of this variant in disease conclusively. Therefore, this variant is classified as a Variant of Uncertain Significance.

Ambry Genetics
Classification: Uncertain significance for Cardiovascular phenotype. Last evaluated: 2025-11-06. Review status: criteria provided, single submitter. Criteria: Ambry Variant Classification Scheme 2023. Collection method: clinical testing. Allele origin: germline.
Comment: The p.T936M variant (also known as c.2807C>T), located in coding exon 27 of the MYBPC3 gene, results from a C to T substitution at nucleotide position 2807. The threonine at codon 936 is replaced by methionine, an amino acid with similar properties. This variant has been reported in a variety of cardiac disease and genetic testing cohorts, including individuals with dilated cardiomyopathy, hypertrophic cardiomyopathy, and left ventricular non-compaction /hypertrabeculation; however, clinical details were limited and additional cardiac variants were detected in some cases (Haas J et al. Eur Heart J, 2015 May;36:1123-35a; Miszalski-Jamka K et al. Circ Cardiovasc Genet, 2017 Aug;10:[Epub ahead of print]; van Lint FHM et al. Neth Heart J, 2019 Jun;27:304-309). This alteration has also been reported in an individual without evidence of hypertrophic cardiomyopathy from a large prospective cardiovascular disease cohort (Bick AG et al. Am. J. Hum. Genet., 2012 Sep;91:513-9). This amino acid position is highly conserved in available vertebrate species. In addition, this alteration is predicted to be deleterious by in silico analysis. Based on the available evidence, the clinical significance of this variant remains unclear.

Labcorp Genetics (formerly Invitae), Labcorp
Classification: Uncertain significance for Hypertrophic cardiomyopathy. Last evaluated: 2025-10-20. Review status: criteria provided, single submitter. Criteria: Invitae Variant Classification Sherloc (09022015). Collection method: clinical testing. Allele origin: germline.
Comment: This sequence change replaces threonine, which is neutral and polar, with methionine, which is neutral and non-polar, at codon 936 of the MYBPC3 protein (p.Thr936Met). This variant is present in population databases (rs374946555, gnomAD 0.02%). This missense change has been observed in individual(s) with clinical features of MYBPC3-related conditions (PMID: 25163546, 28798025, 30847666, 35934244, 36005429). ClinVar contains an entry for this variant (Variation ID: 181130). An algorithm developed to predict the effect of missense changes on protein structure and function (PolyPhen-2) suggests that this variant is likely to be disruptive. In summary, the available evidence is currently insufficient to determine the role of this variant in disease. Therefore, it has been classified as a Variant of Uncertain Significance.

All of Us Research Program, National Institutes of Health
Classification: Uncertain significance for Hypertrophic cardiomyopathy. Last evaluated: 2024-08-06. Review status: criteria provided, single submitter. Criteria: ACMG Guidelines, 2015. Collection method: clinical testing. Allele origin: germline. Inheritance: Autosomal dominant inheritance. Observed: 7 variant alleles, 7 heterozygotes.
Comment: This missense variant replaces threonine with methionine at codon 936 of the MYBPC3 protein. Computational prediction is inconclusive regarding the impact of this variant on protein structure and function (internally defined REVEL score threshold 0.5 < inconclusive < 0.7, PMID: 27666373). To our knowledge, functional studies have not been reported for this variant. This variant has been reported in an individual affected with hypertrophic cardiomyopathy (PMID: 30847666), in an individual affected with left ventricular hypertrabeculation (PMID: 28798025), in an individual affected with sudden unexplained death (PMID: 35934244), an in an individual affected with heart disease (PMID: 22958901). This variant has been identified in 11/278986 chromosomes in the general population by the Genome Aggregation Database (gnomAD). The available evidence is insufficient to determine the role of this variant in disease conclusively. Therefore, this variant is classified as a Variant of Uncertain Significance.

This study involves interpretation of variants in research participants for the purpose of population health screening. Participant phenotype was not available at the time of variant classification. Additional details can be found in publication PMID: 35346344, PMCID: PMC8962531

Fulgent Genetics
Classification: Uncertain significance for Hypertrophic cardiomyopathy 4; Left ventricular noncompaction 10. Last evaluated: 2021-10-14. Review status: criteria provided, single submitter. Criteria: ACMG Guidelines, 2015. Collection method: clinical testing. Allele origin: unknown.

Department of Pathology and Laboratory Medicine, Sinai Health System
Classification: Uncertain significance for Hypertrophic cardiomyopathy 4; Left ventricular noncompaction 10. Last evaluated: 2021-08-03. Review status: criteria provided, single submitter. Criteria: ACMG Guidelines, 2015. Collection method: research. Allele origin: germline.

GeneDx
Classification: Uncertain significance. Last evaluated: 2015-12-23. Review status: criteria provided, single submitter. Criteria: GeneDx Variant Classification (06012015). Collection method: clinical testing. Allele origin: germline. Affected: yes.
Comment: This mutation is denoted p.Thr936Met (ACG>ATG): c.2807 C>T in exon 27 of the MYBPC3 gene (NM_000256.3). The T936M variant has not been published as a mutation or been reported as a benign polymorphism to our knowledge. The T936M variant was not observed in approximately 6,000 individuals of European and African American ancestry in the NHLBI Exome Sequencing Project, indicating it is not a common benign variant in these populations. The T936M variant is a non-conservative amino acid substitution, which is likely to impact secondary protein structure as these residues differ in polarity, charge, size and/or other properties. This substitution occurs at a position that is conserved across species. In silico analysis predicts this variant is probably damaging to the protein structure/function. Mutations in nearby residues (R943Q, R939W) have been reported in association with HCM, further supporting the functional importance of this region of the protein. Therefore, based on the currently available information, it is unclear whether this variant is a pathogenic mutation or a rare benign variant. The variant is found in CARDIOMYOPATHY panel(s).

Literature cited by the submitters: PubMed 22958901 (cited by 3 submitters); PubMed 28798025 (cited by 4 submitters); PubMed 30847666 (cited by 4 submitters); PubMed 35934244 (cited by 3 submitters); PubMed 36005429 (cited by Color Diagnostics, LLC DBA Color Health and Labcorp Genetics (formerly Invitae), Labcorp); PubMed 25163546 (cited by Ambry Genetics and Labcorp Genetics (formerly Invitae), Labcorp).